The following is an entry in ClinVar:

NM_002796.3(PSMB4):c.28G>C (p.Gly10Arg)

Gene: PSMB4 (proteasome 20S subunit beta 4; plus strand). Cytogenetic location: 1q21.3.
Variant type: single nucleotide variant.
Coding change: c.28G>C on transcript NM_002796.3 (MANE Select); coding-DNA position 28, G replaced by C.
Protein change: p.Gly10Arg; replaces glycine 10 with arginine.
Molecular consequence: missense variant.
Genome position (GRCh38, 1-based): chr1:151,399,615, G>C. VCF-style: chr1-151399615-G-C. GRCh37 (hg19) VCF-style: chr1-151372091-G-C.
Other names: short protein forms G10R.
Identifiers: ClinVar variation 3701064 (VCV003701064.2).
Genomic context (GRCh38, chr1:151,399,615, plus strand): 5'-AGCGCTTTCATTTTTTCTGCTACCGTGACTAAGATGGAAGCGTTTTTGGGGTCGCGGTCC[G>C]GACTTTGGGCGGGGGGTCCGGCCCCAGGACAGTTTTACCGCATTCCGTCCACTCCCGATT-3'
Protein context (NP_002787.2, residues 1-20): MEAFLGSRS[Gly10Arg]LWAGGPAPGQ

ClinVar aggregate classification (germline): Uncertain significance (1 of 4 stars; one submission).

gnomAD v4.1: 4 of 1,613,706 alleles (0.00025%); highest among the groups gnomAD compares: African/African-American, 0.0013%; no homozygotes.

Submission:

Labcorp Genetics (formerly Invitae), Labcorp
Classification: Uncertain significance. Last evaluated: 2024-07-08. Review status: criteria provided, single submitter. Criteria: Invitae Variant Classification Sherloc (09022015). Collection method: clinical testing. Allele origin: germline.
Comment: This sequence change replaces glycine, which is neutral and non-polar, with arginine, which is basic and polar, at codon 10 of the PSMB4 protein (p.Gly10Arg). This variant is not present in population databases (gnomAD no frequency). This variant has not been reported in the literature in individuals affected with PSMB4-related conditions. Algorithms developed to predict the effect of missense changes on protein structure and function output the following: SIFT: "Not Available"; PolyPhen-2: "Benign"; Align-GVGD: "Not Available". The arginine amino acid residue is found in multiple mammalian species, which suggests that this missense change does not adversely affect protein function. In summary, the available evidence is currently insufficient to determine the role of this variant in disease. Therefore, it has been classified as a Variant of Uncertain Significance.